The following is an entry in ClinVar:

NM_014014.5(SNRNP200):c.2940+4C>T

Gene: SNRNP200 (small nuclear ribonucleoprotein U5 subunit 200; minus strand). Cytogenetic location: 2q11.2.
Variant type: single nucleotide variant.
Coding change: c.2940+4C>T on transcript NM_014014.5 (MANE Select); 4 bases into the intron after coding-DNA position 2940, C replaced by T.
Molecular consequence: intron variant.
Genome position (GRCh38, 1-based): chr2:96,289,795, G>A on the plus strand (C>T on the coding strand, the complement: SNRNP200 is on the minus strand). VCF-style: chr2-96289795-G-A. GRCh37 (hg19) VCF-style: chr2-96955533-G-A.
Identifiers: ClinVar variation 735071 (VCV000735071.13), dbSNP rs573616084, ClinGen allele CA1778595.

ClinVar aggregate classification (germline): Likely benign. Review status: criteria provided, multiple submitters, no conflicts (2 of 4 stars). 3 submissions from 3 submitters: Likely benign (3). Last evaluated 2026-03-10.

Conditions:
SNRNP200-related disorder. Also called: SNRNP200-related condition.

Allele frequency attached by ClinVar (database versions not stated): 1000 Genomes Project 30x 0.00094; 1000 Genomes Project 0.00120; gnomAD exomes 0.00003 and 0.00011; gnomAD 0.00006 and 0.00013; TOPMed 0.00006; ExAC 0.00013.
gnomAD v4.1: 83 of 1,613,706 alleles (0.0051%); highest among the groups gnomAD compares: East Asian, 0.078%; 1 homozygote.

Submissions (3):

PreventionGenetics, part of Exact Sciences
Classification: Likely benign for SNRNP200-related condition. Last evaluated: 2026-03-10. Review status: criteria provided, single submitter. Criteria: ACMG Guidelines, 2015. Collection method: clinical testing. Allele origin: germline.
Comment: This variant is classified as likely benign based on ACMG/AMP sequence variant interpretation guidelines (Richards et al. 2015 PMID: 25741868, with internal and published modifications).

Labcorp Genetics (formerly Invitae), Labcorp
Classification: Likely benign. Last evaluated: 2026-01-28. Review status: criteria provided, single submitter. Criteria: Invitae Variant Classification Sherloc (09022015). Collection method: clinical testing. Allele origin: germline.

Blueprint Genetics
Classification: Likely benign. Last evaluated: 2024-09-23. Review status: criteria provided, single submitter. Criteria: ACMG Guidelines, 2015. Collection method: clinical testing. Allele origin: germline.